The following is an entry in ClinVar:

ClinVar aggregate classification (germline): Uncertain significance (1 of 4 stars; one submission).

Submission:

GeneDx
Classification: Uncertain significance. Last evaluated: 2024-01-25. Review status: criteria provided, single submitter. Criteria: GeneDx Variant Classification Process June 2021. Collection method: clinical testing. Allele origin: germline. Affected: yes.
Comment: Not observed at significant frequency in large population cohorts (gnomAD); Frameshift variant predicted to result in protein truncation or nonsense mediated decay in a gene or region of a gene for which loss of function is not a well-established mechanism of disease; Has not been previously published as pathogenic or benign to our knowledge

NM_000176.3(NR3C1):c.2097del (p.Ala700fs)

Gene: NR3C1 (nuclear receptor subfamily 3 group C member 1; minus strand). Cytogenetic location: 5q31.3.
Variant type: Deletion.
Coding change: c.2097del on transcript NM_000176.3 (MANE Select); coding-DNA position 2097, one base deleted (A; older notation c.2097delA).
Protein change: p.Ala700fs; shifts the reading frame from alanine 700.
Molecular consequence: frameshift variant. On other transcripts: non-coding transcript variant (1).
Genome position (GRCh38, 1-based): chr5:143,282,652, T deleted on the plus strand (A on the coding strand, the reverse complement: NR3C1 is on the minus strand); the first of 4 consecutive T bases (chr5:143,282,652-143,282,655); deleting any one gives the same sequence. VCF-style (leftmost placement, unchanged base first): chr5-143282651-CT-C. GRCh37 (hg19) VCF-style: chr5-142662216-CT-C.
Other names: c.2097del, p.Ala700fs (NM_001018074.1, NM_001018075.1, NM_001018076.2 and 5 more transcripts); c.2100del, p.Ala701fs (NM_001024094.2, NM_001364183.2, NM_001364184.2 and 1 more transcripts); c.2019del, p.Ala674fs (NM_001204258.2); c.1842del, p.Ala615fs (NM_001204259.2); c.1830del, p.Ala611fs (NM_001204260.2); c.1806del, p.Ala603fs (NM_001204261.2); c.1152del, p.Ala385fs (NM_001204262.2); c.1107del, p.Ala370fs (NM_001204263.2); and 1 more; short protein forms A365fs, A370fs, A385fs, A603fs, A611fs, A615fs, A674fs, A700fs.
Identifiers: ClinVar variation 3368399 (VCV003368399.1).
Genomic context (GRCh38, chr5:143,282,651, plus strand): 5'-TTGTCAGTTGATAAAACCGCTGCCAGTTCTGGCTGGAGTTTCCTTCCCTCTTGACAATGG[CT>C]TTTCCTAGCTCTTTGATGTAGGTCATTCTAATTTCATCAAATAGCTCTTGGCTCTTCAGA-3'